The following is an entry in ClinVar:

ClinVar aggregate classification (germline): Conflicting classifications of pathogenicity. Review status: criteria provided, conflicting classifications (1 of 4 stars). 3 submissions from 3 submitters: Uncertain significance (1); Likely benign (2). Last evaluated 2025-12-30.

Conditions:
Hereditary cancer-predisposing syndrome. Also called: Hereditary neoplastic syndrome; Tumor predisposition; Neoplastic Syndromes, Hereditary; Hereditary Cancer Syndrome. Identifiers: Orphanet 140162, MedGen C0027672, MeSH D009386, MONDO:0015356.
Hereditary breast ovarian cancer syndrome. Also called: Hereditary breast and ovarian cancer; Hereditary breast and/or ovarian cancer syndrome; Hereditary breast and ovarian cancer syndrome; Hereditary breast and ovarian cancer syndrome (HBOC); Breast and ovarian cancer; BRCA1- and BRCA2-Associated Hereditary Breast and Ovarian Cancer. Identifiers: Orphanet 145, MedGen C0677776, MeSH D061325, MONDO:0003582. Disease mechanism: loss of function.

Allele frequency attached by ClinVar (database versions not stated): gnomAD exomes below 0.00001; ExAC 0.00001.
gnomAD v4.1: 2 of 1,613,858 alleles (0.00012%); highest among the groups gnomAD compares: Non-Finnish European, 0.00017%; no homozygotes.

Submissions (3):

Labcorp Genetics (formerly Invitae), Labcorp
Classification: Likely benign for Hereditary breast ovarian cancer syndrome. Last evaluated: 2025-12-30. Review status: criteria provided, single submitter. Criteria: Invitae Variant Classification Sherloc (09022015). Collection method: clinical testing. Allele origin: germline.

Ambry Genetics
Classification: Likely benign for Hereditary cancer-predisposing syndrome. Last evaluated: 2018-12-05. Review status: criteria provided, single submitter. Criteria: Ambry Variant Classification Scheme 2023. Collection method: clinical testing. Allele origin: germline.

GeneDx
Classification: Uncertain significance. Last evaluated: 2016-11-14. Review status: criteria provided, single submitter. Criteria: GeneDx Variant Classification (06012015). Collection method: clinical testing. Allele origin: germline. Affected: yes.
Comment: This variant is denoted BRCA2 c.9216G>A at the DNA level. Although this variant is silent at the coding level, preserving a Valine at codon 3072, it is predicted to create a cryptic splice donor site upstream of the natural splice donor site and to possibly cause abnormal splicing. However, in the absence of RNA or functional studies, the actual effect of this variant is unknown. This variant was observed in a cohort of individuals with a personal and/or family history of breast and/or ovarian cancer (Caux-Moncoutier 2011). BRCA2 c.9216G>A was not observed in approximately 6,500 individuals of European and African American ancestry in the NHLBI Exome Sequencing Project, indicating it is not a common benign variant in these populations.The nucleotide which is altered, a guanine (G) at base 9216, is not conserved. Based on currently available information, it is unclear whether BRCA2 c.9216G>A is a pathogenic or benign variant. We consider it to be a variant of uncertain significance.

NM_000059.4(BRCA2):c.9216G>A (p.Val3072=)

Gene: BRCA2 (BRCA2 DNA repair associated; plus strand). Cytogenetic location: 13q13.1.
Variant type: single nucleotide variant.
Coding change: c.9216G>A on transcript NM_000059.4 (MANE Select); coding-DNA position 9216, G replaced by A.
Protein change: p.Val3072=; no amino-acid change (valine 3072 retained).
Molecular consequence: synonymous variant.
Genome position (GRCh38, 1-based): chr13:32,380,105, G>A. VCF-style: chr13-32380105-G-A. GRCh37 (hg19) VCF-style: chr13-32954242-G-A.
Identifiers: ClinVar variation 418592 (VCV000418592.14), dbSNP rs773533016, ClinGen allele CA6941356.